The following is an entry in ClinVar:

ClinVar aggregate classification (germline): Uncertain significance (1 of 4 stars; one submission).

gnomAD v4.1: 30 of 1,609,004 alleles (0.0019%); highest among the groups gnomAD compares: Admixed American, 0.013%; no homozygotes.

Submission:

Labcorp Genetics (formerly Invitae), Labcorp
Classification: Uncertain significance. Last evaluated: 2024-08-02. Review status: criteria provided, single submitter. Criteria: Invitae Variant Classification Sherloc (09022015). Collection method: clinical testing. Allele origin: germline.
Comment: This sequence change replaces valine, which is neutral and non-polar, with methionine, which is neutral and non-polar, at codon 468 of the BRD4 protein (p.Val468Met). This variant is present in population databases (rs201081104, gnomAD 0.02%). This variant has not been reported in the literature in individuals affected with BRD4-related conditions. Advanced modeling of protein sequence and biophysical properties (such as structural, functional, and spatial information, amino acid conservation, physicochemical variation, residue mobility, and thermodynamic stability) performed at Invitae indicates that this missense variant is not expected to disrupt BRD4 protein function with a negative predictive value of 80%. In summary, the available evidence is currently insufficient to determine the role of this variant in disease. Therefore, it has been classified as a Variant of Uncertain Significance.

NM_001379291.1(BRD4):c.1402G>A (p.Val468Met)

Gene: BRD4 (bromodomain containing 4; minus strand). Cytogenetic location: 19p13.12.
Variant type: single nucleotide variant.
Coding change: c.1402G>A on transcript NM_001379291.1 (MANE Select); coding-DNA position 1402, G replaced by A.
Protein change: p.Val468Met; replaces valine 468 with methionine.
Molecular consequence: missense variant.
Genome position (GRCh38, 1-based): chr19:15,257,113, C>T on the plus strand (G>A on the coding strand, the complement: BRD4 is on the minus strand). VCF-style: chr19-15257113-C-T. GRCh37 (hg19) VCF-style: chr19-15367924-C-T.
Other names: c.1402G>A, p.Val468Met (NM_001330384.2, NM_001379292.1, NM_014299.3 and 1 more transcripts); short protein forms V468M.
Identifiers: ClinVar variation 2723700 (VCV002723700.2), dbSNP rs201081104, ClinGen allele CA9265377.
Genomic context (GRCh38, chr19:15,257,113, plus strand): 5'-TGTCGCTGGATGAGGGCGGGGCCACAACCTTGGTGGGAGGGGGCACTGCCGGGGAGGACA[C>T]GGCCACCACTGGCTCCTCAGGCTCGTCCGGCATCTTGGCAAAGCGCATTTCGAACACATC-3'
Protein context (NP_001366220.1, residues 458-478): PDEPEEPVVA[Val468Met]SSPAVPPPTK